The following is an entry in ClinVar:

NM_003079.5(SMARCE1):c.1008G>C (p.Glu336Asp)

Gene: SMARCE1 (SWI/SNF related BAF chromatin remodeling complex subunit E1; minus strand). Cytogenetic location: 17q21.2.
Variant type: single nucleotide variant.
Coding change: c.1008G>C on transcript NM_003079.5 (MANE Select); coding-DNA position 1008, G replaced by C.
Protein change: p.Glu336Asp; replaces glutamic acid 336 with aspartic acid.
Molecular consequence: missense variant.
Genome position (GRCh38, 1-based): chr17:40,630,733, C>G on the plus strand (G>C on the coding strand, the complement: SMARCE1 is on the minus strand). VCF-style: chr17-40630733-C-G. GRCh37 (hg19) VCF-style: chr17-38786985-C-G.
Other names: short protein forms E336D.
Identifiers: ClinVar variation 653913 (VCV000653913.12), dbSNP rs1323477202, ClinGen allele CA399363152.
Genomic context (GRCh38, chr17:40,630,733, plus strand): 5'-AAGTCTTGGCACTGCCTCTGCGTTTGTTGCTAGTGGGTTACCTGTCTCCATCGGAATGTT[C>G]TCGTCGTCTTTCTTCTCCTCGCCTTTGTTAGCTGCTTGTTCTTCCTCAGGAACGATGCTG-3'
Protein context (NP_003070.3, residues 326-346): ANKGEEKKDD[Glu336Asp]NIPMETEETH

ClinVar aggregate classification (germline): Conflicting classifications of pathogenicity. Review status: criteria provided, conflicting classifications (1 of 4 stars). 2 submissions from 2 submitters: Uncertain significance (1); Likely benign (1). Last evaluated 2025-05-26.

Conditions:
Hereditary cancer-predisposing syndrome. Also called: Neoplastic Syndromes, Hereditary; Tumor predisposition; Hereditary Cancer Syndrome; Hereditary neoplastic syndrome. Identifiers: Orphanet 140162, MedGen C0027672, MeSH D009386, MONDO:0015356.
Familial meningioma. Also called: Meningioma, familial, susceptibility to. Identifiers: Orphanet 263662, MedGen C3551915, MONDO:0011789, OMIM 607174.

Allele frequency attached by ClinVar (database versions not stated): gnomAD exomes below 0.00001.
gnomAD v4.1: 6 of 1,614,080 alleles (0.00037%); highest among the groups gnomAD compares: Non-Finnish European, 0.00051%; no homozygotes.

Submissions (2):

Labcorp Genetics (formerly Invitae), Labcorp
Classification: Uncertain significance for Familial meningioma. Last evaluated: 2025-05-26. Review status: criteria provided, single submitter. Criteria: Invitae Variant Classification Sherloc (09022015). Collection method: clinical testing. Allele origin: germline.
Comment: This sequence change replaces glutamic acid, which is acidic and polar, with aspartic acid, which is acidic and polar, at codon 336 of the SMARCE1 protein (p.Glu336Asp). This variant is present in population databases (no rsID available, gnomAD 0.0009%). This variant has not been reported in the literature in individuals affected with SMARCE1-related conditions. ClinVar contains an entry for this variant (Variation ID: 653913). Invitae Evidence Modeling of protein sequence and biophysical properties (such as structural, functional, and spatial information, amino acid conservation, physicochemical variation, residue mobility, and thermodynamic stability) indicates that this missense variant is not expected to disrupt SMARCE1 protein function with a negative predictive value of 80%. In summary, the available evidence is currently insufficient to determine the role of this variant in disease. Therefore, it has been classified as a Variant of Uncertain Significance.

Ambry Genetics
Classification: Likely benign for Hereditary cancer-predisposing syndrome. Last evaluated: 2025-01-23. Review status: criteria provided, single submitter. Criteria: Ambry Variant Classification Scheme 2023. Collection method: clinical testing. Allele origin: germline.